The following is an entry in ClinVar:

ClinVar aggregate classification (germline): Uncertain significance (1 of 4 stars; one submission).

Conditions:
PAX2-Related Disorder. Also called: PAX2-related disorders. Identifiers: MedGen CN381309.

Submission:

PreventionGenetics, part of Exact Sciences
Classification: Uncertain significance for PAX2-related condition. Last evaluated: 2026-04-01. Review status: criteria provided, single submitter. Criteria: ACMG Guidelines, 2015. Collection method: clinical testing. Allele origin: germline.
Comment: The PAX2 c.457G>A variant is predicted to result in the amino acid substitution p.Gly153Arg. To our knowledge, this variant has not been reported in the literature. This variant is reported in 0.015% of alleles in individuals of South Asian descent in gnomAD. At this time, the clinical significance of this variant is uncertain due to the absence of conclusive functional and genetic evidence.

NM_000278.5(PAX2):c.457G>A (p.Gly153Arg)

Gene: PAX2 (paired box 2; plus strand). Cytogenetic location: 10q24.31.
Variant type: single nucleotide variant.
Coding change: c.457G>A on transcript NM_000278.5 (MANE Select); coding-DNA position 457, G replaced by A.
Protein change: p.Gly153Arg; replaces glycine 153 with arginine.
Molecular consequence: missense variant.
Genome position (GRCh38, 1-based): chr10:100,779,544, G>A. VCF-style: chr10-100779544-G-A. GRCh37 (hg19) VCF-style: chr10-102539301-G-A.
Other names: c.550G>A, p.Gly184Arg (NM_001304569.2); c.457G>A, p.Gly153Arg (NM_003987.5, NM_003988.5, NM_003989.5 and 1 more transcripts); short protein forms G153R, G184R.
Identifiers: ClinVar variation 4982096 (VCV004982096.1).
Genomic context (GRCh38, chr10:100,779,544, plus strand): 5'-TGACGCTGTTGCAGAATCATCCGGACCAAAGTTCAGCAGCCTTTCCACCCAACGCCGGAT[G>A]GGGCTGGGACAGGAGTGACCGCCCCTGGCCACACCATTGGTAAGAGGGCTCAGGGAAGGG-3'
Protein context (NP_000269.3, residues 143-163): VQQPFHPTPD[Gly153Arg]AGTGVTAPGH